The following is an entry in ClinVar:

ClinVar aggregate classification (germline): Uncertain significance (1 of 4 stars; one submission).

Conditions:
Early-infantile DEE. Also called: Ohtahara syndrome; Early infantile epileptic encephalopathy with suppression bursts; Early infantile epileptic encephalopathy. Identifiers: Orphanet 1934, MedGen C0393706, MONDO:0800491.

Allele frequency attached by ClinVar (database versions not stated): ExAC 0.00001; gnomAD 0.00001; TOPMed 0.00001; gnomAD exomes 0.00002.
gnomAD v4.1: 29 of 1,613,978 alleles (0.0018%); highest among the groups gnomAD compares: Admixed American, 0.0033%; no homozygotes.

Submission:

Labcorp Genetics (formerly Invitae), Labcorp
Classification: Uncertain significance for Early-infantile DEE. Last evaluated: 2024-09-18. Review status: criteria provided, single submitter. Criteria: Invitae Variant Classification Sherloc (09022015). Collection method: clinical testing. Allele origin: germline.
Comment: This sequence change replaces arginine, which is basic and polar, with histidine, which is basic and polar, at codon 580 of the ARHGEF15 protein (p.Arg580His). This variant is present in population databases (rs759754769, gnomAD 0.005%). This variant has not been reported in the literature in individuals affected with ARHGEF15-related conditions. ClinVar contains an entry for this variant (Variation ID: 2163653). An algorithm developed to predict the effect of missense changes on protein structure and function (PolyPhen-2) suggests that this variant is likely to be disruptive. In summary, the available evidence is currently insufficient to determine the role of this variant in disease. Therefore, it has been classified as a Variant of Uncertain Significance.

NM_173728.4(ARHGEF15):c.1739G>A (p.Arg580His)

Gene: ARHGEF15 (Rho guanine nucleotide exchange factor 15; plus strand). Cytogenetic location: 17p13.1.
Variant type: single nucleotide variant.
Coding change: c.1739G>A on transcript NM_173728.4 (MANE Select); coding-DNA position 1739, G replaced by A.
Protein change: p.Arg580His; replaces arginine 580 with histidine.
Molecular consequence: missense variant.
Genome position (GRCh38, 1-based): chr17:8,318,421, G>A. VCF-style: chr17-8318421-G-A. GRCh37 (hg19) VCF-style: chr17-8221739-G-A.
Other names: c.1739G>A, p.Arg580His (NM_025014.2); short protein forms R580H.
Identifiers: ClinVar variation 2163653 (VCV002163653.4), dbSNP rs759754769, ClinGen allele CA8375282.